The following is an entry in ClinVar:

NM_012431.3(SEMA3E):c.147T>G (p.Phe49Leu)

Gene: SEMA3E (semaphorin 3E; minus strand). Cytogenetic location: 7q21.11.
Variant type: single nucleotide variant.
Coding change: c.147T>G on transcript NM_012431.3 (MANE Select); coding-DNA position 147, T replaced by G.
Protein change: p.Phe49Leu; replaces phenylalanine 49 with leucine.
Molecular consequence: missense variant. On other transcripts: 5 prime UTR variant (1).
Genome position (GRCh38, 1-based): chr7:83,490,243, A>C on the plus strand (T>G on the coding strand, the complement: SEMA3E is on the minus strand). VCF-style: chr7-83490243-A-C. GRCh37 (hg19) VCF-style: chr7-83119559-A-C.
Other names: c.-34T>G (NM_001178129.2); short protein forms F49L.
Identifiers: ClinVar variation 5000620 (VCV005000620.1).

ClinVar aggregate classification (germline): Uncertain significance (1 of 4 stars; one submission).

Conditions:
SEMA3E-related disorder. Also called: SEMA3E-related condition.

gnomAD v4.1: 5 of 1,612,834 alleles (0.00031%); highest among the groups gnomAD compares: Non-Finnish European, 0.00042%; no homozygotes.

Submission:

PreventionGenetics, part of Exact Sciences
Classification: Uncertain significance for SEMA3E-related condition. Last evaluated: 2026-03-06. Review status: criteria provided, single submitter. Criteria: ACMG Guidelines, 2015. Collection method: clinical testing. Allele origin: germline.
Comment: The SEMA3E c.147T>G variant is predicted to result in the amino acid substitution p.Phe49Leu. To our knowledge, this variant has not been reported in the literature or in a large population database (gnomAD), indicating this variant is rare. At this time, the clinical significance of this variant is uncertain due to the absence of conclusive functional and genetic evidence.